The following is an entry in ClinVar:

ClinVar aggregate classification (germline): Uncertain significance. Review status: criteria provided, multiple submitters, no conflicts (2 of 4 stars). 2 submissions from 2 submitters: Uncertain significance (2). Last evaluated 2024-12-19.

Conditions:
Finnish type amyloidosis. Also called: Amyloidosis, familial, Finnish type; Meretoja type amyloidosis; Amyloidosis 5; AMYLOIDOSIS, HEREDITARY SYSTEMIC 4, FINNISH TYPE; AMYLOID CRANIAL NEUROPATHY WITH LATTICE CORNEAL DYSTROPHY; AMYLOIDOSIS DUE TO MUTANT GELSOLIN. Identifiers: Orphanet 85448, MedGen C1622345, MONDO:0007097, OMIM 105120.

Allele frequency attached by ClinVar (database versions not stated): ExAC 0.00001.
gnomAD v4.1: 14 of 1,614,158 alleles (0.00087%); highest among the groups gnomAD compares: Non-Finnish European, 0.001%; no homozygotes.

Submissions (2):

Labcorp Genetics (formerly Invitae), Labcorp
Classification: Uncertain significance. Last evaluated: 2024-12-19. Review status: criteria provided, single submitter. Criteria: Invitae Variant Classification Sherloc (09022015). Collection method: clinical testing. Allele origin: germline.
Comment: This sequence change affects an acceptor splice site in intron 6 of the GSN gene. It is expected to disrupt RNA splicing. Variants that disrupt the donor or acceptor splice site typically lead to a loss of protein function (PMID: 16199547), however the current clinical and genetic evidence is not sufficient to establish whether loss-of-function variants in GSN cause disease. This variant is present in population databases (rs755312209, gnomAD 0.0009%). This variant has not been reported in the literature in individuals affected with GSN-related conditions. ClinVar contains an entry for this variant (Variation ID: 1444667). Algorithms developed to predict the effect of sequence changes on RNA splicing suggest that this variant may disrupt the consensus splice site. In summary, the available evidence is currently insufficient to determine the role of this variant in disease. Therefore, it has been classified as a Variant of Uncertain Significance.

Fulgent Genetics
Classification: Uncertain significance for Finnish type amyloidosis. Last evaluated: 2024-01-11. Review status: criteria provided, single submitter. Criteria: ACMG Guidelines, 2015. Collection method: clinical testing. Allele origin: germline.

Literature cited by the submitters: PubMed 16199547 (cited by Labcorp Genetics (formerly Invitae), Labcorp).

NM_198252.3(GSN):c.754-1G>T

Gene: GSN (gelsolin; plus strand). Cytogenetic location: 9q33.2.
Variant type: single nucleotide variant.
Coding change: c.754-1G>T on transcript NM_198252.3 (MANE Select); the canonical splice acceptor site of the intron before coding-DNA position 754, G replaced by T.
Molecular consequence: splice acceptor variant.
Genome position (GRCh38, 1-based): chr9:121,317,085, G>T. VCF-style: chr9-121317085-G-T. GRCh37 (hg19) VCF-style: chr9-124079363-G-T.
Other names: c.754-1G>T (NM_001353054.1, NM_001353053.1, NM_001353060.2 and 10 more transcripts); c.787-1G>T (NM_001353064.2, NM_001353066.2, NM_001353073.2 and 13 more transcripts); c.862-1G>T (NM_001127663.2); c.826-1G>T (NM_001353076.2); c.100-1G>T (NM_001353078.2); c.805-1G>T (NM_001258029.2); c.778-1G>T (NM_001258030.2); c.907-1G>T (NM_000177.5).
Identifiers: ClinVar variation 1444667 (VCV001444667.9), dbSNP rs755312209, ClinGen allele CA5221038.